The following is an entry in ClinVar:

NM_000349.3(STAR):c.441G>A (p.Trp147Ter)

Gene: STAR (steroidogenic acute regulatory protein; minus strand). Cytogenetic location: 8p11.23.
Variant type: single nucleotide variant.
Coding change: c.441G>A on transcript NM_000349.3 (MANE Select); coding-DNA position 441, G replaced by A.
Protein change: p.Trp147Ter; replaces tryptophan 147 with a stop codon.
Molecular consequence: nonsense.
Genome position (GRCh38, 1-based): chr8:38,146,313, C>T on the plus strand (G>A on the coding strand, the complement: STAR is on the minus strand). VCF-style: chr8-38146313-C-T. GRCh37 (hg19) VCF-style: chr8-38003831-C-T.
Other names: short protein forms W147*.
Identifiers: ClinVar variation 1452094 (VCV001452094.8), dbSNP rs760531501, ClinGen allele CA4715248.

ClinVar aggregate classification (germline): Pathogenic (1 of 4 stars; one submission).

Allele frequency attached by ClinVar (database versions not stated): ExAC 0.00001; gnomAD 0.00001.
gnomAD v4.1: 1 of 1,613,928 alleles (0.000062%); highest among the groups gnomAD compares: Non-Finnish European, 0.000085%; no homozygotes.

Submission:

Labcorp Genetics (formerly Invitae), Labcorp
Classification: Pathogenic. Last evaluated: 2022-01-26. Review status: criteria provided, single submitter. Criteria: Invitae Variant Classification Sherloc (09022015). Collection method: clinical testing. Allele origin: germline.
Comment: For these reasons, this variant has been classified as Pathogenic. This premature translational stop signal has been observed in individual(s) with congenital lipoid adrenal hyperplasia (PMID: 23748066). This variant is not present in population databases (gnomAD no frequency). This sequence change creates a premature translational stop signal (p.Trp147*) in the STAR gene. It is expected to result in an absent or disrupted protein product. Loss-of-function variants in STAR are known to be pathogenic (PMID: 8948562).

Literature cited by the submitters: PubMed 23748066; PubMed 8948562.